The following is an entry in ClinVar:

NM_000535.7(PMS2):c.644T>C (p.Val215Ala)

Gene: PMS2 (PMS1 homolog 2, mismatch repair system component; minus strand). Cytogenetic location: 7p22.1.
Variant type: single nucleotide variant.
Coding change: c.644T>C on transcript NM_000535.7 (MANE Select); coding-DNA position 644, T replaced by C.
Protein change: p.Val215Ala; replaces valine 215 with alanine.
Molecular consequence: missense variant. On other transcripts: 5 prime UTR variant (2), non-coding transcript variant (1), intron variant (1).
Genome position (GRCh38, 1-based): chr7:5,999,169, A>G on the plus strand (T>C on the coding strand, the complement: PMS2 is on the minus strand). VCF-style: chr7-5999169-A-G. GRCh37 (hg19) VCF-style: chr7-6038800-A-G.
Other names: c.239T>C, p.Val80Ala (NM_001322003.2, NM_001322004.2, NM_001322005.2 and 2 more transcripts); c.644T>C, p.Val215Ala (NM_001322006.2, NM_001322014.2); c.326T>C, p.Val109Ala (NM_001322007.2, NM_001322008.2); c.-290T>C (NM_001322011.2, NM_001322012.2); c.335T>C, p.Val112Ala (NM_001322015.2); c.133-1746T>C (NM_001322013.2); short protein forms V215A, V80A, V109A, V112A.
Identifiers: ClinVar variation 525736 (VCV000525736.13), dbSNP rs1554302383, ClinGen allele CA366743925.

ClinVar aggregate classification (germline): Uncertain significance. Review status: criteria provided, multiple submitters, no conflicts (2 of 4 stars). 2 submissions from 2 submitters: Uncertain significance (2). Last evaluated 2021-06-18.

Conditions:
Hereditary nonpolyposis colorectal neoplasms. Identifiers: MedGen C0009405, MeSH D003123.
Hereditary cancer-predisposing syndrome. Also called: Neoplastic Syndromes, Hereditary; Tumor predisposition; Hereditary Cancer Syndrome; Hereditary neoplastic syndrome. Identifiers: Orphanet 140162, MedGen C0027672, MeSH D009386, MONDO:0015356.

gnomAD v4.1: 1 of 1,614,034 alleles (0.000062%); no homozygotes.

Submissions (2):

Ambry Genetics
Classification: Uncertain significance for Hereditary cancer-predisposing syndrome. Last evaluated: 2021-06-18. Review status: criteria provided, single submitter. Criteria: Ambry Variant Classification Scheme 2023. Collection method: clinical testing. Allele origin: germline.
Comment: The p.V215A variant (also known as c.644T>C), located in coding exon 6 of the PMS2 gene, results from a T to C substitution at nucleotide position 644. The valine at codon 215 is replaced by alanine, an amino acid with similar properties. This amino acid position is not well conserved in available vertebrate species. In addition, the in silico prediction for this alteration is inconclusive. Since supporting evidence is limited at this time, the clinical significance of this alteration remains unclear.

Labcorp Genetics (formerly Invitae), Labcorp
Classification: Uncertain significance for Hereditary nonpolyposis colorectal neoplasms. Last evaluated: 2019-11-16. Review status: criteria provided, single submitter. Criteria: Invitae Variant Classification Sherloc (09022015). Collection method: clinical testing. Allele origin: germline.
Comment: This sequence change replaces valine with alanine at codon 215 of the PMS2 protein (p.Val215Ala). The valine residue is moderately conserved and there is a small physicochemical difference between valine and alanine. In summary, the available evidence is currently insufficient to determine the role of this variant in disease. Therefore, it has been classified as a Variant of Uncertain Significance. Algorithms developed to predict the effect of missense changes on protein structure and function (SIFT, PolyPhen-2, Align-GVGD) all suggest that this variant is likely to be disruptive, but these predictions have not been confirmed by published functional studies and their clinical significance is uncertain. This variant has not been reported in the literature in individuals with PMS2-related disease. This variant is not present in population databases (ExAC no frequency).